The following is an entry in ClinVar:

ClinVar aggregate classification (germline): Uncertain significance (1 of 4 stars; one submission).

Conditions:
Hereditary cancer-predisposing syndrome. Also called: Neoplastic Syndromes, Hereditary; Tumor predisposition; Hereditary Cancer Syndrome; Hereditary neoplastic syndrome. Identifiers: Orphanet 140162, MedGen C0027672, MeSH D009386, MONDO:0015356.

gnomAD v4.1: 1 of 1,614,150 alleles (0.000062%); highest among the groups gnomAD compares: Non-Finnish European, 0.000085%; no homozygotes.

Submission:

Ambry Genetics
Classification: Uncertain significance for Hereditary cancer-predisposing syndrome. Last evaluated: 2025-12-07. Review status: criteria provided, single submitter. Criteria: Ambry Variant Classification Scheme 2023. Collection method: clinical testing. Allele origin: germline.
Comment: The p.L10R variant (also known as c.29T>G), located in coding exon 1 of the RAD50 gene, results from a T to G substitution at nucleotide position 29. The leucine at codon 10 is replaced by arginine, an amino acid with dissimilar properties. This amino acid position is conserved. In addition, this alteration is predicted to be tolerated by in silico analysis. Based on the available evidence, the clinical significance of this variant remains unclear.

NM_005732.4(RAD50):c.29T>G (p.Leu10Arg)

Gene: RAD50 (RAD50 double strand break repair protein; plus strand). Cytogenetic location: 5q31.1.
Variant type: single nucleotide variant.
Coding change: c.29T>G on transcript NM_005732.4 (MANE Select); coding-DNA position 29, T replaced by G.
Protein change: p.Leu10Arg; replaces leucine 10 with arginine.
Molecular consequence: missense variant.
Genome position (GRCh38, 1-based): chr5:132,557,353, T>G. VCF-style: chr5-132557353-T-G. GRCh37 (hg19) VCF-style: chr5-131893045-T-G.
Other names: short protein forms L10R.
Identifiers: ClinVar variation 4678225 (VCV004678225.1).